The following is an entry in ClinVar:

NM_004994.3(MMP9):c.1409C>T (p.Thr470Ile)

Gene: MMP9 (matrix metallopeptidase 9; plus strand). Cytogenetic location: 20q13.12.
Variant type: single nucleotide variant.
Coding change: c.1409C>T on transcript NM_004994.3 (MANE Select); coding-DNA position 1409, C replaced by T.
Protein change: p.Thr470Ile; replaces threonine 470 with isoleucine.
Molecular consequence: missense variant.
Genome position (GRCh38, 1-based): chr20:46,013,333, C>T. VCF-style: chr20-46013333-C-T. GRCh37 (hg19) VCF-style: chr20-44641972-C-T.
Other names: short protein forms T470I.
Identifiers: ClinVar variation 1510313 (VCV001510313.8), dbSNP rs375741446, ClinGen allele CA409220069.

ClinVar aggregate classification (germline): Uncertain significance (1 of 4 stars; one submission).

gnomAD v4.1: 8 of 1,613,730 alleles (0.0005%); highest among the groups gnomAD compares: Non-Finnish European, 0.00068%; no homozygotes.

Submission:

Labcorp Genetics (formerly Invitae), Labcorp
Classification: Uncertain significance. Last evaluated: 2025-04-08. Review status: criteria provided, single submitter. Criteria: Invitae Variant Classification Sherloc (09022015). Collection method: clinical testing. Allele origin: germline.
Comment: This sequence change replaces threonine, which is neutral and polar, with isoleucine, which is neutral and non-polar, at codon 470 of the MMP9 protein (p.Thr470Ile). This variant is not present in population databases (gnomAD no frequency). This variant has not been reported in the literature in individuals affected with MMP9-related conditions. ClinVar contains an entry for this variant (Variation ID: 1510313). Invitae Evidence Modeling of protein sequence and biophysical properties (such as structural, functional, and spatial information, amino acid conservation, physicochemical variation, residue mobility, and thermodynamic stability) indicates that this missense variant is not expected to disrupt MMP9 protein function with a negative predictive value of 80%. In summary, the available evidence is currently insufficient to determine the role of this variant in disease. Therefore, it has been classified as a Variant of Uncertain Significance.